The following is an entry in ClinVar:

ClinVar aggregate classification (germline): Uncertain significance. Review status: criteria provided, multiple submitters, no conflicts (2 of 4 stars). 3 submissions from 3 submitters: Uncertain significance (3). Last evaluated 2025-09-15.

Conditions:
CREB3L3-related disorder. Also called: CREB3L3-related condition.

Allele frequency attached by ClinVar (database versions not stated): gnomAD exomes 0.00004; TOPMed 0.00004; ExAC 0.00005; gnomAD 0.00008; 1000 Genomes Project 30x 0.00016; 1000 Genomes Project 0.00020.
gnomAD v4.1: 78 of 1,600,230 alleles (0.0049%); highest among the groups gnomAD compares: Middle Eastern, 0.05%; no homozygotes.

Submissions (3):

PreventionGenetics, part of Exact Sciences
Classification: Uncertain significance for CREB3L3-related condition. Last evaluated: 2025-09-15. Review status: criteria provided, single submitter. Criteria: ACMG Guidelines, 2015. Collection method: clinical testing. Allele origin: germline.
Comment: The CREB3L3 c.499G>A variant is predicted to result in the amino acid substitution p.Ala167Thr. This variant has been reported in a cohort study about genetic testing for hypertriglyceridemia (Table S2, Deshotels et al. 2022. PubMed ID: 36325899). This variant is reported in 0.020% of alleles in individuals of Latino descent in gnomAD. Although we suspect that this variant may be benign, at this time, the clinical significance of this variant is uncertain due to the absence of conclusive functional and genetic evidence.

Ambry Genetics
Classification: Uncertain significance. Last evaluated: 2024-10-20. Review status: criteria provided, single submitter. Criteria: Ambry Variant Classification Scheme 2023. Collection method: clinical testing. Allele origin: germline.

Labcorp Genetics (formerly Invitae), Labcorp
Classification: Uncertain significance. Last evaluated: 2024-10-03. Review status: criteria provided, single submitter. Criteria: Invitae Variant Classification Sherloc (09022015). Collection method: clinical testing. Allele origin: germline.
Comment: This sequence change replaces alanine, which is neutral and non-polar, with threonine, which is neutral and polar, at codon 167 of the CREB3L3 protein (p.Ala167Thr). This variant is present in population databases (rs532598731, gnomAD 0.02%). This missense change has been observed in individual(s) with dyslipidemia (PMID: 36325899). Invitae Evidence Modeling of protein sequence and biophysical properties (such as structural, functional, and spatial information, amino acid conservation, physicochemical variation, residue mobility, and thermodynamic stability) indicates that this missense variant is not expected to disrupt CREB3L3 protein function with a negative predictive value of 80%. In summary, the available evidence is currently insufficient to determine the role of this variant in disease. Therefore, it has been classified as a Variant of Uncertain Significance.

Literature cited by the submitters: PubMed 36325899 (cited by Labcorp Genetics (formerly Invitae), Labcorp).

NM_032607.3(CREB3L3):c.499G>A (p.Ala167Thr)

Gene: CREB3L3 (cAMP responsive element binding protein 3 like 3; plus strand). Cytogenetic location: 19p13.3.
Variant type: single nucleotide variant.
Coding change: c.499G>A on transcript NM_032607.3 (MANE Select); coding-DNA position 499, G replaced by A.
Protein change: p.Ala167Thr; replaces alanine 167 with threonine.
Molecular consequence: missense variant.
Genome position (GRCh38, 1-based): chr19:4,159,705, G>A. VCF-style: chr19-4159705-G-A. GRCh37 (hg19) VCF-style: chr19-4159702-G-A.
Other names: c.496G>A, p.Ala166Thr (NM_001271995.2); c.499G>A, p.Ala167Thr (NM_001271996.2, NM_001271997.2); c.499G>A (NM_032607.1, NM_032607.2); short protein forms A166T, A167T.
Identifiers: ClinVar variation 2898851 (VCV002898851.5), dbSNP rs532598731, ClinGen allele CA9091338.